The following is an entry in ClinVar:

ClinVar aggregate classification (germline): Likely benign (1 of 4 stars; one submission).

gnomAD v4.1: 2,779 of 1,563,128 alleles (0.18%); highest among the groups gnomAD compares: Non-Finnish European, 0.22%; 6 homozygotes.

Submission:

CeGaT Center for Human Genetics Tuebingen
Classification: Likely benign. Last evaluated: 2025-04-01. Review status: criteria provided, single submitter. Criteria: CeGaT Center For Human Genetics Tuebingen Variant Classification Criteria Version 2. Collection method: clinical testing. Allele origin: germline. Affected: yes. Observed: 1 variant allele.
Comment: DPYSL3: BP4

NM_001197294.2(DPYSL3):c.471-5A>G

Gene: DPYSL3 (dihydropyrimidinase like 3; minus strand). Cytogenetic location: 5q32.
Variant type: single nucleotide variant.
Coding change: c.471-5A>G on transcript NM_001197294.2 (MANE Select); 5 bases into the intron before coding-DNA position 471, A replaced by G.
Molecular consequence: intron variant.
Genome position (GRCh38, 1-based): chr5:147,418,636, T>C on the plus strand (A>G on the coding strand, the complement: DPYSL3 is on the minus strand). VCF-style: chr5-147418636-T-C. GRCh37 (hg19) VCF-style: chr5-146798199-T-C.
Other names: c.129-5A>G (NM_001387.3).
Identifiers: ClinVar variation 3898752 (VCV003898752.7).